The following is an entry in ClinVar:

NM_002063.4(GLRA2):c.531G>T (p.Lys177Asn)

Gene: GLRA2 (glycine receptor alpha 2; plus strand). Cytogenetic location: Xp22.2.
Variant type: single nucleotide variant.
Coding change: c.531G>T on transcript NM_002063.4 (MANE Select); coding-DNA position 531, G replaced by T.
Protein change: p.Lys177Asn; replaces lysine 177 with asparagine.
Molecular consequence: missense variant.
Genome position (GRCh38, 1-based): chrX:14,604,351, G>T. VCF-style: chrX-14604351-G-T. GRCh37 (hg19) VCF-style: chrX-14622473-G-T.
Other names: c.531G>T, p.Lys177Asn (NM_001118885.2, NM_001118886.2); c.264G>T, p.Lys88Asn (NM_001171942.2); short protein forms K177N, K88N.
Identifiers: ClinVar variation 4077333 (VCV004077333.1).

ClinVar aggregate classification (germline): Uncertain significance (1 of 4 stars; one submission).

Submission:

GeneDx
Classification: Uncertain significance. Last evaluated: 2025-02-27. Review status: criteria provided, single submitter. Criteria: GeneDx Variant Classification Process June 2021. Collection method: clinical testing. Allele origin: germline. Affected: yes.
Comment: Not observed at significant frequency in large population cohorts (gnomAD); In silico analysis supports that this missense variant has a deleterious effect on protein structure/function; In silico analysis is inconclusive as to whether the variant alters gene splicing. In the absence of RNA/functional studies, the actual effect of this sequence change is unknown.; Has not been previously published as pathogenic or benign to our knowledge